The following is an entry in ClinVar:

NM_001854.4(COL11A1):c.5266G>A (p.Gly1756Ser)

Genes: COL11A1 (collagen type XI alpha 1 chain; minus strand), LOC126805814 (P300/CBP strongly-dependent group 1 enhancer GRCh37_chr1:103344928-103346127; plus strand). Cytogenetic location: 1p21.1.
Variant type: single nucleotide variant.
Coding change: c.5266G>A on transcript NM_001854.4 (MANE Select); coding-DNA position 5266, G replaced by A.
Protein change: p.Gly1756Ser; replaces glycine 1756 with serine.
Molecular consequence: missense variant. On other transcripts: non-coding transcript variant (1).
Genome position (GRCh38, 1-based): chr1:102,879,691, C>T on the plus strand (G>A on the coding strand, the complement: COL11A1 is on the minus strand). VCF-style: chr1-102879691-C-T. GRCh37 (hg19) VCF-style: chr1-103345247-C-T.
Other names: c.5149G>A, p.Gly1717Ser (NM_001190709.2); c.5302G>A, p.Gly1768Ser (NM_080629.3); c.4918G>A, p.Gly1640Ser (NM_080630.4); short protein forms G1717S, G1768S, G1756S, G1640S.
Identifiers: ClinVar variation 4729903 (VCV004729903.1).

ClinVar aggregate classification (germline): Uncertain significance (1 of 4 stars; one submission).

Submission:

Labcorp Genetics (formerly Invitae), Labcorp
Classification: Uncertain significance. Last evaluated: 2025-05-25. Review status: criteria provided, single submitter. Criteria: Invitae Variant Classification Sherloc (09022015). Collection method: clinical testing. Allele origin: germline.
Comment: This sequence change replaces glycine, which is neutral and non-polar, with serine, which is neutral and polar, at codon 1756 of the COL11A1 protein (p.Gly1756Ser). This variant is not present in population databases (gnomAD no frequency). This variant has not been reported in the literature in individuals affected with COL11A1-related conditions. Invitae Evidence Modeling of protein sequence and biophysical properties (such as structural, functional, and spatial information, amino acid conservation, physicochemical variation, residue mobility, and thermodynamic stability) indicates that this missense variant is not expected to disrupt COL11A1 protein function with a negative predictive value of 80%. In summary, the available evidence is currently insufficient to determine the role of this variant in disease. Therefore, it has been classified as a Variant of Uncertain Significance.